The following is an entry in ClinVar:

NM_000179.3(MSH6):c.1357A>T (p.Lys453Ter)

Gene: MSH6 (mutS homolog 6; plus strand). Cytogenetic location: 2p16.3.
Variant type: single nucleotide variant.
Coding change: c.1357A>T on transcript NM_000179.3 (MANE Select); coding-DNA position 1357, A replaced by T.
Protein change: p.Lys453Ter; replaces lysine 453 with a stop codon.
Molecular consequence: nonsense.
Genome position (GRCh38, 1-based): chr2:47,799,340, A>T. VCF-style: chr2-47799340-A-T. GRCh37 (hg19) VCF-style: chr2-48026479-A-T.
Other names: c.967A>T, p.Lys323Ter (NM_001281492.2); c.451A>T, p.Lys151Ter (NM_001281493.2, NM_001281494.2); short protein forms K151*, K323*, K453*.
Identifiers: ClinVar variation 928493 (VCV000928493.2), dbSNP rs1669323917, ClinGen allele CA346744724.

ClinVar aggregate classification (germline): Pathogenic/Likely pathogenic. Review status: criteria provided, multiple submitters, no conflicts (2 of 4 stars). 2 submissions from 2 submitters: Pathogenic (1); Likely pathogenic (1). Last evaluated 2023-08-14.

Conditions:
Hereditary nonpolyposis colon cancer (HNPCC). Also called: Hereditary nonpolyposis colorectal cancer; Familial nonpolyposis colon cancer; Hereditary Nonpolyposis Colorectal Cancer Syndrome. Identifiers: Orphanet 443909, MedGen C1333990, MONDO:0018630. Disease mechanism: loss of function.
Lynch syndrome 5 (LYNCH5). Also called: Colorectal cancer, hereditary nonpolyposis, type 5; Hereditary non-polyposis colorectal cancer, type 5. Identifiers: Orphanet 144, MedGen C1833477, MONDO:0013710, OMIM 614350. Disease mechanism: loss of function.

Submissions (2):

Myriad Genetics, Inc.
Classification: Pathogenic for Lynch syndrome 5. Last evaluated: 2023-08-14. Review status: criteria provided, single submitter. Criteria: Myriad Autosomal Dominant, Autosomal Recessive and X-Linked Classification Criteria (2023). Collection method: clinical testing. Allele origin: unknown.
Comment: This variant is considered pathogenic. This variant creates a termination codon and is predicted to result in premature protein truncation.

Women's Health and Genetics/Laboratory Corporation of America, LabCorp
Classification: Likely pathogenic for Lynch syndrome. Last evaluated: 2019-06-17. Review status: criteria provided, single submitter. Criteria: LabCorp Variant Classification Summary - May 2015. Collection method: clinical testing. Allele origin: germline.
Comment: Variant summary: MSH6 c.1357A>T (p.Lys453X) results in a premature termination codon, predicted to cause a truncation of the encoded protein or absence of the protein due to nonsense mediated decay, which are commonly known mechanisms for disease. Truncations downstream of this position have been classified as pathogenic by our laboratory. The variant was absent in 251046 control chromosomes. To our knowledge, no occurrence of c.1357A>T in individuals affected with Lynch Syndrome and no experimental evidence demonstrating its impact on protein function have been reported. No clinical diagnostic laboratories have submitted clinical-significance assessments for this variant to ClinVar after 2014. Based on the evidence outlined above, the variant was classified as likely pathogenic.